The following is an entry in ClinVar:

ClinVar aggregate classification (germline): Benign. Review status: criteria provided, multiple submitters, no conflicts (2 of 4 stars). 3 submissions from 3 submitters: Benign (2). 1 of the submissions does not count toward it. Last evaluated 2019-12-31.

Conditions:
XIRP1-related disorder. Also called: XIRP1-related condition.

Allele frequency attached by ClinVar (database versions not stated): gnomAD exomes 0.00190 and 0.00459; ExAC 0.00560; gnomAD 0.01813 and 0.01941; 1000 Genomes Project 0.01897; TOPMed 0.02008; 1000 Genomes Project 30x 0.02061; ESP Exome Variant Server 0.02137.

Submissions (6):

Labcorp Genetics (formerly Invitae), Labcorp
Classification: Benign. Last evaluated: 2019-12-31. Review status: criteria provided, single submitter. Criteria: Invitae Variant Classification Sherloc (09022015). Collection method: clinical testing. Allele origin: germline.

Breakthrough Genomics
Classification: Benign. Review status: criteria provided, single submitter. Criteria: ACMG Guidelines, 2015. Collection method: not provided. Allele origin: germline. Inheritance: Unknown mechanism. Affected: yes.

PreventionGenetics, part of Exact Sciences
Classification: Benign for XIRP1-related condition. Last evaluated: 2019-02-21. Review status: no assertion criteria provided. Collection method: clinical testing. Allele origin: germline. Not counted in ClinVar's aggregate classification.
Comment: This variant is classified as benign based on ACMG/AMP sequence variant interpretation guidelines (Richards et al. 2015 PMID: 25741868, with internal and published modifications).

Dr. Peter K. Rogan Lab, Western University
No classification provided (evidence only). Condition: Thyroid cancer, nonmedullary, 1. Review status: no classification provided. Collection method: in vitro. Allele origin: not applicable. Functional consequence: skipped exon, retained intron. Not counted in ClinVar's aggregate classification.

Dr. Peter K. Rogan Lab, Western University
No classification provided (evidence only). Condition: Thymoma. Review status: no classification provided. Collection method: in vitro. Allele origin: not applicable. Functional consequence: retained intron. Not counted in ClinVar's aggregate classification.

Dr. Peter K. Rogan Lab, Western University
No classification provided (evidence only). Condition: Gastric cancer. Review status: no classification provided. Collection method: in vitro. Allele origin: not applicable. Functional consequence: skipped exon. Not counted in ClinVar's aggregate classification.

NM_194293.4(XIRP1):c.3182C>T (p.Ala1061Val)

Gene: XIRP1 (xin actin binding repeat containing 1; minus strand). Cytogenetic location: 3p22.2.
Variant type: single nucleotide variant.
Coding change: c.3182C>T on transcript NM_194293.4 (MANE Select); coding-DNA position 3182, C replaced by T.
Protein change: p.Ala1061Val; replaces alanine 1061 with valine.
Molecular consequence: missense variant. On other transcripts: intron variant (1).
Genome position (GRCh38, 1-based): chr3:39,186,264, G>A on the plus strand (C>T on the coding strand, the complement: XIRP1 is on the minus strand). VCF-style: chr3-39186264-G-A. GRCh37 (hg19) VCF-style: chr3-39227755-G-A.
Other names: NC_000003.11:g.39227755G>A; c.3182C>T, p.Ala1061Val (NM_001198621.4); c.-167-603C>T (NM_001351377.2); short protein forms A1061V.
Identifiers: ClinVar variation 786009 (VCV000786009.8), dbSNP rs35795536, ClinGen allele CA2326100.
Genomic context (GRCh38, chr3:39,186,264, plus strand): 5'-GTGGGGCCCTGCTTGTGCTTGTTCAGAACTTGCTGGTGCAGGCTCTGGGCTTCAGCTGTT[G>A]CCATCCGCAGACTCTGCATGGCGGCCAGGAGGTCTGGGGCCCCAGGCCCCGGAGGGGTAG-3'
Protein context (NP_919269.2, residues 1051-1071): LLAAMQSLRM[Ala1061Val]TAEAQSLHQQ